The following is an entry in ClinVar:

NM_014165.4(NDUFAF4):c.*639A>C

Gene: NDUFAF4 (NADH:ubiquinone oxidoreductase complex assembly factor 4; minus strand). Cytogenetic location: 6q16.1.
Variant type: single nucleotide variant.
Coding change: c.*639A>C on transcript NM_014165.4 (MANE Select); 639 bases downstream of the stop codon, A replaced by C.
Molecular consequence: 3 prime UTR variant.
Genome position (GRCh38, 1-based): chr6:96,890,465, T>G on the plus strand (A>C on the coding strand, the complement: NDUFAF4 is on the minus strand). VCF-style: chr6-96890465-T-G. GRCh37 (hg19) VCF-style: chr6-97338341-T-G.
Identifiers: ClinVar variation 908901 (VCV000908901.5), dbSNP rs11759571, ClinGen allele CA15425995.

ClinVar aggregate classification (germline): Likely benign. Review status: criteria provided, multiple submitters, no conflicts (2 of 4 stars). 2 submissions from 2 submitters: Likely benign (2). Last evaluated 2018-01-12.

Conditions:
Mitochondrial complex I deficiency, nuclear type 1. Also called: NADH-COENZYME Q REDUCTASE DEFICIENCY; MITOCHONDRIAL NADH DEHYDROGENASE COMPONENT OF COMPLEX I, DEFICIENCY OF. Identifiers: MedGen C6022305, MONDO:0100224, OMIM 252010.

Allele frequency attached by ClinVar (database versions not stated): gnomAD 0.03170 and 0.03256; TOPMed 0.03220; 1000 Genomes Project 0.02596; 1000 Genomes Project 30x 0.02670.

Submissions (2):

Illumina Laboratory Services, Illumina
Classification: Likely benign for Mitochondrial complex I deficiency, nuclear type 1. Last evaluated: 2018-01-12. Review status: criteria provided, single submitter. Criteria: ICSL Variant Classification Criteria 13 December 2019. Collection method: clinical testing. Allele origin: germline.
Comment: This variant was observed in the ICSL laboratory as part of a predisposition screen in an ostensibly healthy population. It had not been previously curated by ICSL or reported in the Human Gene Mutation Database (HGMD: prior to June 1st, 2018), and was therefore a candidate for classification through an automated scoring system. Utilizing variant allele frequency, disease prevalence and penetrance estimates, and inheritance mode, an automated score was calculated to assess if this variant is too frequent to cause the disease. Based on the score and internal cut-off values, a variant classified as likely benign is not then subjected to further curation. The score for this variant resulted in a classification of likely benign for this disease.

Breakthrough Genomics
Classification: Likely benign. Review status: criteria provided, single submitter. Criteria: ACMG Guidelines, 2015. Collection method: not provided. Allele origin: germline. Inheritance: Autosomal recessive inheritance. Affected: yes.